The following is an entry in ClinVar:

ClinVar aggregate classification (germline): Likely benign (1 of 4 stars; one submission).

gnomAD v4.1: 747 of 1,452,314 alleles (0.051%); highest among the groups gnomAD compares: East Asian, 1%; 4 homozygotes.

Submission:

CeGaT Center for Human Genetics Tuebingen
Classification: Likely benign. Last evaluated: 2025-04-01. Review status: criteria provided, single submitter. Criteria: CeGaT Center For Human Genetics Tuebingen Variant Classification Criteria Version 2. Collection method: clinical testing. Allele origin: germline. Affected: yes. Observed: 1 variant allele.
Comment: MED12L: BP4, BS1

NM_001393769.1(MED12L):c.4053+8G>A

Genes: MED12L (mediator complex subunit 12L; plus strand), P2RY12 (purinergic receptor P2Y12; minus strand). Cytogenetic location: 3q25.1.
Variant type: single nucleotide variant.
Coding change: c.4053+8G>A on transcript NM_001393769.1 (MANE Select); 8 bases into the intron after coding-DNA position 4053, G replaced by A.
Molecular consequence: intron variant.
Genome position (GRCh38, 1-based): chr3:151,376,222, G>A. VCF-style: chr3-151376222-G-A. GRCh37 (hg19) VCF-style: chr3-151094010-G-A.
Other names: c.3948+8G>A (NM_053002.6); c.-180+8470C>T (NM_022788.5).
Identifiers: ClinVar variation 3905248 (VCV003905248.10).